The following is an entry in ClinVar:

NM_021729.6(VPS11):c.367G>A (p.Gly123Ser)

Gene: VPS11 (VPS11 core subunit of CORVET and HOPS complexes; plus strand). Cytogenetic location: 11q23.3.
Variant type: single nucleotide variant.
Coding change: c.367G>A on transcript NM_021729.6 (MANE Select); coding-DNA position 367, G replaced by A.
Protein change: p.Gly123Ser; replaces glycine 123 with serine.
Molecular consequence: missense variant. On other transcripts: non-coding transcript variant (7).
Genome position (GRCh38, 1-based): chr11:119,069,472, G>A. VCF-style: chr11-119069472-G-A. GRCh37 (hg19) VCF-style: chr11-118940182-G-A.
Other names: c.367G>A, p.Gly123Ser (NM_001378220.1, NM_001378219.1); c.349G>A, p.Gly117Ser (NM_001378221.1); c.337G>A, p.Gly113Ser (NM_001290185.2); c.379G>A, p.Gly127Ser (NM_001378218.1); short protein forms G113S, G117S, G123S, G127S.
Identifiers: ClinVar variation 1029819 (VCV001029819.6), dbSNP rs200887499, ClinGen allele CA6313183.
Genomic context (GRCh38, chr11:119,069,472, plus strand): 5'-AGCATTTACACTTCTGAGGTCTGTCCACAGGTTAAGATCTGGAACCTGGAGAAGAGAGAT[G>A]GTGGCAATCCACTCTGCACTCGAATCTTCCCTGCTATTCCAGGAACAGAGCCAACTGTTG-3'
Protein context (NP_068375.3, residues 113-133): VKIWNLEKRD[Gly123Ser]GNPLCTRIFP

ClinVar aggregate classification (germline): Conflicting classifications of pathogenicity. Review status: criteria provided, conflicting classifications (1 of 4 stars). 2 submissions from 2 submitters: Uncertain significance (1); Likely benign (1). Last evaluated 2026-01-27.

Conditions:
Leukodystrophy, hypomyelinating, 12. Identifiers: Orphanet 466934, MedGen C4225247, MONDO:0014732, OMIM 616683.

Allele frequency attached by ClinVar (database versions not stated): ESP Exome Variant Server 0.00050; TOPMed 0.00055; gnomAD 0.00056; ExAC 0.00059; gnomAD exomes 0.00063 and 0.00087.

Submissions (2):

Labcorp Genetics (formerly Invitae), Labcorp
Classification: Likely benign. Last evaluated: 2026-01-27. Review status: criteria provided, single submitter. Criteria: Invitae Variant Classification Sherloc (09022015). Collection method: clinical testing. Allele origin: germline.

Baylor Genetics
Classification: Uncertain significance for Leukodystrophy, hypomyelinating, 12. Last evaluated: 2019-03-29. Review status: criteria provided, single submitter. Criteria: ACMG Guidelines, 2015. Collection method: clinical testing. Allele origin: unknown. Affected: yes.
Comment: This variant was determined to be of uncertain significance according to ACMG Guidelines, 2015 [PMID:25741868].